The following is an entry in ClinVar:

ClinVar aggregate classification (germline): Likely pathogenic. Review status: criteria provided, multiple submitters, no conflicts (2 of 4 stars). 4 submissions from 4 submitters: Likely pathogenic (3). 1 of the submissions does not count toward it. Last evaluated 2024-03-08.

Conditions:
Autosomal dominant Alport syndrome (ATS3A). Also called: ALPORT SYNDROME 3A, AUTOSOMAL DOMINANT; Alport syndrome dominant type; Renal failure and sensorineural hearing loss. Identifiers: Orphanet 63, Orphanet 88918, MedGen C5882663, MONDO:0007086, OMIM 104200.
Hematuria, benign familial, 2 (BFH2). Identifiers: MedGen C5830421, MONDO:0958186, OMIM 620320.
Alport syndrome 3b, autosomal recessive. Identifiers: MedGen C5882699, MONDO:0957811, OMIM 620536.

Allele frequency attached by ClinVar (database versions not stated): gnomAD exomes below 0.00001.
gnomAD v4.1: 1 of 1,613,738 alleles (0.000062%); highest among the groups gnomAD compares: Non-Finnish European, 0.000085%; no homozygotes.

Submissions (4):

Fulgent Genetics
Classification: Likely pathogenic for Autosomal dominant Alport syndrome; Hematuria, benign familial, 2; Alport syndrome 3b, autosomal recessive. Last evaluated: 2024-03-08. Review status: criteria provided, single submitter. Criteria: ACMG Guidelines, 2015. Collection method: clinical testing. Allele origin: germline.

Women's Health and Genetics/Laboratory Corporation of America, LabCorp
Classification: Likely pathogenic for Autosomal dominant Alport syndrome. Last evaluated: 2024-03-08. Review status: criteria provided, single submitter. Criteria: LabCorp Variant Classification Summary - May 2015. Collection method: clinical testing. Allele origin: germline.
Comment: Variant summary: COL4A3 c.1559G>A (p.Gly520Asp) results in a non-conservative amino acid change in the encoded protein sequence. Five of five in-silico tools predict a damaging effect of the variant on protein function. The variant was absent in 249260 control chromosomes (gnomAD). c.1559G>A has been reported in the literature in individuals affected with features of Alport Syndrome, Autosomal Dominant (Weber_2016, Miao_2021, Popp_2022). These data indicate that the variant is likely to be associated with disease. To our knowledge, no experimental evidence demonstrating an impact on protein function has been reported. The following publications have been ascertained in the context of this evaluation (PMID: 26809805, 36100708, 34120753). ClinVar contains an entry for this variant (Variation ID: 830011). Based on the evidence outlined above, the variant was classified as likely pathogenic.

Labcorp Genetics (formerly Invitae), Labcorp
Classification: Likely pathogenic. Last evaluated: 2021-04-06. Review status: criteria provided, single submitter. Criteria: Invitae Variant Classification Sherloc (09022015). Collection method: clinical testing. Allele origin: germline.
Comment: Advanced modeling of protein sequence and biophysical properties (such as structural, functional, and spatial information, amino acid conservation, physicochemical variation, residue mobility, and thermodynamic stability) performed at Invitae indicates that this missense variant is expected to disrupt COL4A3 protein function. This variant is not present in population databases (ExAC no frequency). This variant has been observed in individual(s) with clinical features of autosomal dominant Alport syndrome (PMID: 26809805, external communication). ClinVar contains an entry for this variant (Variation ID: 830011). In summary, the currently available evidence indicates that the variant is pathogenic, but additional data are needed to prove that conclusively. Therefore, this variant has been classified as Likely Pathogenic. This sequence change replaces glycine with aspartic acid at codon 520 of the COL4A3 protein (p.Gly520Asp). The glycine residue is highly conserved and there is a moderate physicochemical difference between glycine and aspartic acid.

Bioscientia Institut fuer Medizinische Diagnostik GmbH, Sonic Healthcare
Classification: Pathogenic for Autosomal dominant Alport syndrome. Last evaluated: 2019-10-04. Review status: no assertion criteria provided. Collection method: clinical testing. Allele origin: germline. Affected: yes. Not counted in ClinVar's aggregate classification.

Literature cited by the submitters: PubMed 26809805 (cited by Women's Health and Genetics/Laboratory Corporation of America, LabCorp and Labcorp Genetics (formerly Invitae), Labcorp); PubMed 36100708 (cited by Women's Health and Genetics/Laboratory Corporation of America, LabCorp); PubMed 34120753 (cited by Women's Health and Genetics/Laboratory Corporation of America, LabCorp).

NM_000091.5(COL4A3):c.1559G>A (p.Gly520Asp)

Genes: MFF-DT (MFF divergent transcript; minus strand), COL4A3 (collagen type IV alpha 3 chain; plus strand). Cytogenetic location: 2q36.3.
Variant type: single nucleotide variant.
Coding change: c.1559G>A on transcript NM_000091.5 (MANE Select); coding-DNA position 1559, G replaced by A.
Protein change: p.Gly520Asp; replaces glycine 520 with aspartic acid.
Molecular consequence: missense variant.
Genome position (GRCh38, 1-based): chr2:227,269,964, G>A. VCF-style: chr2-227269964-G-A. GRCh37 (hg19) VCF-style: chr2-228134680-G-A.
Other names: short protein forms G520D.
Identifiers: ClinVar variation 830011 (VCV000830011.13), dbSNP rs1574745989, ClinGen allele CA350871338.
Genomic context (GRCh38, chr2:227,269,964, plus strand): 5'-TTGCAGGAAGACAAGGCGCAGCTGGCTTGAAAGGAAGCCCAGGGTCCCCAGGAAATACAG[G>A]TCTTCCAGGATTTCCAGTAAGATTTCATGTTTTTAAATCTTTAGCTTCAATTTGACAAAT-3'
Protein context (NP_000082.2, residues 510-530): KGSPGSPGNT[Gly520Asp]LPGFPGFPGA